The following is an entry in ClinVar:

NM_005084.4(PLA2G7):c.663+1G>A

Gene: PLA2G7 (phospholipase A2 group VII; minus strand). Cytogenetic location: 6p12.3.
Variant type: single nucleotide variant.
Coding change: c.663+1G>A on transcript NM_005084.4 (MANE Select); the canonical splice donor site of the intron after coding-DNA position 663, G replaced by A.
Molecular consequence: splice donor variant.
Genome position (GRCh38, 1-based): chr6:46,711,495, C>T on the plus strand (G>A on the coding strand, the complement: PLA2G7 is on the minus strand). VCF-style: chr6-46711495-C-T. GRCh37 (hg19) VCF-style: chr6-46679232-C-T.
Other names: NT663, G-A, +1; c.663+1G>A (NM_001168357.2).
Identifiers: ClinVar variation 488191 (VCV000488191.5), dbSNP rs201899866, ClinGen allele CA3840301.

ClinVar aggregate classification (germline): Uncertain significance. Review status: criteria provided, multiple submitters, no conflicts (2 of 4 stars). 4 submissions from 4 submitters: Uncertain significance (2). 2 of the submissions do not count toward it. Last evaluated 2023-01-18.

Conditions:
Platelet-activating factor acetylhydrolase deficiency (PAFAD). Identifiers: MedGen C3280315, MONDO:0013663, OMIM 614278, HP:0040175.
PLA2G7-related disorder. Also called: PLA2G7-related condition.

Allele frequency attached by ClinVar (database versions not stated): gnomAD 0.00001 and 0.00030; TOPMed 0.00002; gnomAD exomes 0.00040 and 0.00096; ExAC 0.00111; 1000 Genomes Project 0.00280; 1000 Genomes Project 30x 0.00297.
gnomAD v4.1: 655 of 1,613,580 alleles (0.041%); highest among the groups gnomAD compares: South Asian, 0.66%; 8 homozygotes.

Submissions (4):

Department of Pathology and Laboratory Medicine, Sinai Health System
Classification: Uncertain significance for PLA2G7-related condition. Last evaluated: 2023-01-18. Review status: criteria provided, single submitter. Criteria: ACMG Guidelines, 2015. Collection method: research. Allele origin: germline.

Women's Health and Genetics/Laboratory Corporation of America, LabCorp
Classification: Uncertain significance. Last evaluated: 2022-05-01. Review status: criteria provided, single submitter. Criteria: LabCorp Variant Classification Summary - May 2015. Collection method: clinical testing. Allele origin: germline.
Comment: Variant summary: PLA2G7 c.663+1G>A alters a conserved nucleotide located in a canonical splice-site and is predicted to affect mRNA splicing resulting in a significantly altered protein due to either exon skipping, shortening, or inclusion of intronic material. Several computational tools predict a significant impact on normal splicing: Four predict the variant abolishes the canonical 5' splicing donor site. However, these predictions have yet to be confirmed by functional studies. The variant allele was found at a frequency of 0.00096 in 251324 control chromosomes in the gnomAD database, including 3 homozygotes. This frequency does not allow conclusions about variant significance. c.663+1G>A has been reported in the literature in individuals affected with Lipoprotein-associated phospholipase A2 (Lp-PLA2) Deficiency, an enzyme that hydrolyzes phospholipids to generate lysophosphatidylcholine and oxidized nonesterified fatty acids (example, Salaheen_2017). In observational epidemiologic studies, higher soluble Lp-PLA2 enzymatic activity has been correlated with increased risk for coronary heart disease; small molecule inhibitors of Lp-PLA2 have been developed for the treatment of coronary heart disease (Salaheen_2017 citing Di Angelantonio_2012). This study identified participants who are naturally deficient in the Lp-PLA2 enzyme including two homozygotes and 106 heterozygotes. A dose-dependent response relationship between genotype and enzymatic activity was observed, however, carriers of c.663+1G>A did not have a reduced risk of myocardial infarction (Salaheen_2017). These report(s) do not provide unequivocal conclusions about association of the variant with Platelet-Activating Factor Acetylhydrolase Deficiency and an associated risk for myocardial infarction and/or stroke. To our knowledge, no experimental evidence demonstrating an impact on protein function has been reported. One clinical diagnostic laboratory and the OMIM database have submitted clinical-significance assessments for this variant to ClinVar after 2014. The clinical diagnostic laboratory classified the variant as a risk factor for coronary heart disease citing overlapping evidence utilized in the context of this evaluation. Based on the evidence outlined above, the variant was classified as VUS-possibly pathogenic.

Reproductive Health Research and Development, BGI Genomics
Classification: risk factor for Platelet-activating factor acetylhydrolase deficiency. Last evaluated: 2020-01-06. Review status: no assertion criteria provided. Collection method: curation. Allele origin: germline. Not counted in ClinVar's aggregate classification.
Comment: NG_016204.1(NM_001168357.1):c.663+1G>A in the PLA2G7 gene has an allele frequency of 0.008 in South Asian subpopulation in the gnomAD database, including three homozygotes. The c.663+1G>A variant destroys the canonical splice donor site in intron 13. It is predicted to cause abnormal gene splicing, either leading to an abnormal message that is subject to nonsense-mediated mRNA decay or to an abnormal protein product if the message is used for protein translation. However, activity of soluble lipoprotein-associated phospholipase A2 (encoded by PLA2G7) has been correlated with risk for coronary heart disease (PMID: 28406212). Taken together, we interprete this variant as risk factor variant.

OMIM
Classification: Pathogenic for PLATELET-ACTIVATING FACTOR ACETYLHYDROLASE DEFICIENCY. Last evaluated: 2018-01-24. Review status: no assertion criteria provided. Collection method: literature only. Allele origin: germline. Not counted in ClinVar's aggregate classification.

Literature cited by the submitters: PubMed 28406212 (cited by Women's Health and Genetics/Laboratory Corporation of America, LabCorp and OMIM).